The following is an entry in ClinVar:

NM_001366521.1(ATP2B1):c.209-2A>G

Gene: ATP2B1 (ATPase plasma membrane Ca2+ transporting 1; minus strand). Cytogenetic location: 12q21.33.
Variant type: single nucleotide variant.
Coding change: c.209-2A>G on transcript NM_001366521.1 (MANE Select); the canonical splice acceptor site of the intron before coding-DNA position 209, A replaced by G.
Molecular consequence: splice acceptor variant. On other transcripts: intron variant (3).
Genome position (GRCh38, 1-based): chr12:89,642,357, T>C on the plus strand (A>G on the coding strand, the complement: ATP2B1 is on the minus strand). VCF-style: chr12-89642357-T-C. GRCh37 (hg19) VCF-style: chr12-90036134-T-C.
Other names: c.209-7106A>G (NM_001413053.1, NM_001366530.1); c.209-2A>G (NM_001413060.1, NM_001366531.1, NM_001413056.1 and 23 more transcripts); c.209-7454A>G (NM_001413057.1).
Identifiers: ClinVar variation 3383456 (VCV003383456.1).
Genomic context (GRCh38, chr12:89,642,357, plus strand): 5'-AAAATTCTTTCCAAACACTGCTTCTCTTCTTTCTAAATCTGCAGGGTTTCCACTTAAACC[T>C]AATAAAAAGAAACAAATTTCAGTGAACAGTTTTACTTCTTACAAATGAAAATATATAGTT-3'

ClinVar aggregate classification (germline): Likely pathogenic (1 of 4 stars; one submission).

Submission:

GeneDx
Classification: Likely pathogenic. Last evaluated: 2024-05-29. Review status: criteria provided, single submitter. Criteria: GeneDx Variant Classification Process June 2021. Collection method: clinical testing. Allele origin: germline. Affected: yes.
Comment: Canonical splice site variant predicted to result in an in-frame loss of the adjacent exon in a gene for which loss of function is a known mechanism of disease; Not observed at significant frequency in large population cohorts (gnomAD); Has not been previously published as pathogenic or benign to our knowledge